The following is an entry in ClinVar:

NM_006587.4(CORIN):c.2813-4del

Gene: CORIN (corin, serine peptidase; minus strand). Cytogenetic location: 4p12.
Variant type: Deletion.
Coding change: c.2813-4del on transcript NM_006587.4 (MANE Select); 4 bases into the intron before coding-DNA position 2813, one base deleted (T; older notation c.2813-4delT).
Molecular consequence: intron variant.
Genome position (GRCh38, 1-based): chr4:47,600,351, A deleted on the plus strand (T on the coding strand, the reverse complement: CORIN is on the minus strand); the first of 2 consecutive A bases (chr4:47,600,351-47,600,352); deleting either gives the same sequence. VCF-style (leftmost placement, unchanged base first): chr4-47600350-GA-G. GRCh37 (hg19) VCF-style: chr4-47602367-GA-G.
Other names: c.2501-4del (NM_001278585.2).
Identifiers: ClinVar variation 3039845 (VCV003039845.2), dbSNP rs772900157, ClinGen allele CA2909189.

ClinVar aggregate classification (germline): Likely benign (0 of 4 stars; one submission).

Conditions:
CORIN-related disorder. Also called: CORIN-related condition.

Submission:

PreventionGenetics, part of Exact Sciences
Classification: Likely benign for CORIN-related condition. Last evaluated: 2019-10-28. Review status: no assertion criteria provided. Collection method: clinical testing. Allele origin: germline.
Comment: This variant is classified as likely benign based on ACMG/AMP sequence variant interpretation guidelines (Richards et al. 2015 PMID: 25741868, with internal and published modifications).